The following is an entry in ClinVar:

ClinVar aggregate classification (germline): Uncertain significance (1 of 4 stars; one submission).

Conditions:
POLD1-related polyposis and colorectal cancer syndrome (CRCS10). Also called: Colorectal cancer 10; COLORECTAL CANCER, SUSCEPTIBILITY TO, ON CHROMOSOME 19q; Colorectal cancer, susceptibility to, 10. Identifiers: Orphanet 220460, MedGen C2675481, MONDO:0012953, OMIM 612591.

Submission:

Labcorp Genetics (formerly Invitae), Labcorp
Classification: Uncertain significance for POLD1-related polyposis and colorectal cancer syndrome. Last evaluated: 2020-04-24. Review status: criteria provided, single submitter. Criteria: Invitae Variant Classification Sherloc (09022015). Collection method: clinical testing. Allele origin: germline.
Comment: In summary, the available evidence is currently insufficient to determine the role of this variant in disease. Therefore, it has been classified as a Variant of Uncertain Significance. Algorithms developed to predict the effect of missense changes on protein structure and function are either unavailable or do not agree on the potential impact of this missense change (SIFT: "Deleterious"; PolyPhen-2: "Probably Damaging"; Align-GVGD: "Class C0"). This variant has not been reported in the literature in individuals with POLD1-related conditions. This variant is not present in population databases (ExAC no frequency). This sequence change replaces aspartic acid with asparagine at codon 458 of the POLD1 protein (p.Asp458Asn). The aspartic acid residue is highly conserved and there is a small physicochemical difference between aspartic acid and asparagine.

NM_002691.4(POLD1):c.1372G>A (p.Asp458Asn)

Gene: POLD1 (DNA polymerase delta 1, catalytic subunit; plus strand). Cytogenetic location: 19q13.33.
Variant type: single nucleotide variant.
Coding change: c.1372G>A on transcript NM_002691.4 (MANE Select); coding-DNA position 1372, G replaced by A.
Protein change: p.Asp458Asn; replaces aspartic acid 458 with asparagine.
Molecular consequence: missense variant. On other transcripts: non-coding transcript variant (1).
Genome position (GRCh38, 1-based): chr19:50,406,311, G>A. VCF-style: chr19-50406311-G-A. GRCh37 (hg19) VCF-style: chr19-50909568-G-A.
Other names: c.1372G>A, p.Asp458Asn (NM_001256849.1, NM_001308632.1); short protein forms D458N.
Identifiers: ClinVar variation 1059089 (VCV001059089.9), dbSNP rs2122321670, ClinGen allele CA406979971.
Genomic context (GRCh38, chr19:50,406,311, plus strand): 5'-TCCAAGCAGACGGGCCGGCGGGACACCAAGGTTGTCAGCATGGTGGGCCGCGTGCAGATG[G>A]ACATGCTGCAGGTATGGGCGGGAGGTGGGGTGTGTCCCTGTCCTTGGAAGGCCACTGCCC-3'
Protein context (NP_002682.2, residues 448-468): VVSMVGRVQM[Asp458Asn]MLQVLLREYK